The following is an entry in ClinVar:

NM_002907.4(RECQL):c.1623T>G (p.Asp541Glu)

Gene: RECQL (RecQ like helicase; minus strand). Cytogenetic location: 12p12.1.
Variant type: single nucleotide variant.
Coding change: c.1623T>G on transcript NM_002907.4 (MANE Select); coding-DNA position 1623, T replaced by G.
Protein change: p.Asp541Glu; replaces aspartic acid 541 with glutamic acid.
Molecular consequence: missense variant.
Genome position (GRCh38, 1-based): chr12:21,471,472, A>C on the plus strand (T>G on the coding strand, the complement: RECQL is on the minus strand). VCF-style: chr12-21471472-A-C. GRCh37 (hg19) VCF-style: chr12-21624406-A-C.
Other names: c.1623T>G, p.Asp541Glu (NM_032941.3); short protein forms D541E.
Identifiers: ClinVar variation 4152317 (VCV004152317.1).

ClinVar aggregate classification (germline): Uncertain significance (1 of 4 stars; one submission).

Submission:

Ambry Genetics
Classification: Uncertain significance. Last evaluated: 2025-08-08. Review status: criteria provided, single submitter. Criteria: Ambry Variant Classification Scheme 2023. Collection method: clinical testing. Allele origin: germline.
Comment: The p.D541E variant (also known as c.1623T>G), located in coding exon 12 of the RECQL gene, results from a T to G substitution at nucleotide position 1623. The aspartic acid at codon 541 is replaced by glutamic acid, an amino acid with highly similar properties. This amino acid position is conserved. In addition, this alteration is predicted to be tolerated by in silico analysis. Based on the available evidence, the clinical significance of this variant remains unclear.